The following is an entry in ClinVar:

ClinVar aggregate classification (germline): Uncertain significance (1 of 4 stars; one submission).

Conditions:
Growth hormone insensitivity with immune dysregulation 1, autosomal recessive. Also called: GROWTH HORMONE INSENSITIVITY SYNDROME WITH IMMUNE DYSREGULATION 1, AUTOSOMAL RECESSIVE; Laron syndrome with immunodeficiency; GROWTH HORMONE INSENSITIVITY DUE TO POSTRECEPTOR DEFECT; LARON SYNDROME DUE TO POSTRECEPTOR DEFECT. Identifiers: Orphanet 220465, MedGen C5435698, MONDO:0100211, OMIM 245590.

Submission:

New York Genome Center
Classification: Uncertain significance for Growth hormone insensitivity with immune dysregulation 1, autosomal recessive. Last evaluated: 2020-06-19. Review status: criteria provided, single submitter. Criteria: NYGC Assertion Criteria 2020. Collection method: clinical testing. Allele origin: inherited. Observed: 1 compound heterozygote. Study: CSER-NYCKidSeq.
Comment: The inherited deep intronic variant, c.286-232C>T located in intron 3 (of 18) of the STAT5B gene has not been reported in affected individuals in the literature. The variant is absent from the gnomAD(v3) indicating this deep intronic variant is extremely rare in the general population. Functional studies are required to evaluate potential pathogenicity of this variant. Based on the available evidence, the inherited deep intronic c.286-232C>T variant identified in the STAT5B gene is assessed as a variant of uncertain significance.

NM_012448.4(STAT5B):c.286-232C>T

Gene: STAT5B (signal transducer and activator of transcription 5B; minus strand). Cytogenetic location: 17q21.2.
Variant type: single nucleotide variant.
Coding change: c.286-232C>T on transcript NM_012448.4 (MANE Select); 232 bases into the intron before coding-DNA position 286, C replaced by T.
Molecular consequence: intron variant.
Genome position (GRCh38, 1-based): chr17:42,225,100, G>A on the plus strand (C>T on the coding strand, the complement: STAT5B is on the minus strand). VCF-style: chr17-42225100-G-A. GRCh37 (hg19) VCF-style: chr17-40377118-G-A.
Identifiers: ClinVar variation 1184346 (VCV001184346.1), dbSNP rs2080262047, ClinGen allele CA2260386757.